The following is an entry in ClinVar:

NM_002381.5(MATN3):c.12_16del (p.Ala5fs)

Gene: MATN3 (matrilin 3; minus strand). Cytogenetic location: 2p24.1.
Variant type: Deletion.
Coding change: c.12_16del on transcript NM_002381.5 (MANE Select); coding-DNA positions 12 to 16, 5 bases deleted (GGCCC; older notation c.12_16delGGCCC).
Protein change: p.Ala5fs; shifts the reading frame from alanine 5.
Molecular consequence: frameshift variant.
Genome position (GRCh38, 1-based): chr2:20,012,616-20,012,620, GGGCC deleted on the plus strand (GGCCC on the coding strand, the reverse complement: MATN3 is on the minus strand); deleting any 5 consecutive bases within chr2:20,012,616-20,012,624 gives the same sequence; the c. name uses the placement nearest the transcript's 3' end. VCF-style (leftmost placement, unchanged base first): chr2-20012615-GGGGCC-G. GRCh37 (hg19) VCF-style: chr2-20212376-GGGGCC-G.
Other names: short protein forms A5fs.
Identifiers: ClinVar variation 3724101 (VCV003724101.2).
Genomic context (GRCh38, chr2:20,012,615, plus strand): 5'-GCGGAGGGCAGCAGCAGCAGCGGCCAGAGCAGCAGGAGGAGTCCCGGGAGGCGGCGCGCG[GGGGCC>G]GGGCGCGGCATGGTGGGCTCCGTGGGCCTGGTGGTGTCCGTCGGGGGCCAGGAGCCCACG-3'

ClinVar aggregate classification (germline): Uncertain significance (1 of 4 stars; one submission).

Submission:

Labcorp Genetics (formerly Invitae), Labcorp
Classification: Uncertain significance. Last evaluated: 2024-10-30. Review status: criteria provided, single submitter. Criteria: Invitae Variant Classification Sherloc (09022015). Collection method: clinical testing. Allele origin: germline.
Comment: This sequence change creates a premature translational stop signal (p.Ala5Argfs*83) in the MATN3 gene. It is expected to result in an absent or disrupted protein product. However, the current clinical and genetic evidence is not sufficient to establish whether loss-of-function variants in MATN3 cause disease. This variant is not present in population databases (gnomAD no frequency). This variant has not been reported in the literature in individuals affected with MATN3-related conditions. In summary, the available evidence is currently insufficient to determine the role of this variant in disease. Therefore, it has been classified as a Variant of Uncertain Significance.